The following is an entry in ClinVar:

NM_001364905.1(LRBA):c.2259-2A>G

Gene: LRBA (LPS responsive beige-like anchor protein; minus strand). Cytogenetic location: 4q31.3.
Variant type: single nucleotide variant.
Coding change: c.2259-2A>G on transcript NM_001364905.1 (MANE Select); the canonical splice acceptor site of the intron before coding-DNA position 2259, A replaced by G.
Molecular consequence: splice acceptor variant.
Genome position (GRCh38, 1-based): chr4:150,871,455, T>C on the plus strand (A>G on the coding strand, the complement: LRBA is on the minus strand). VCF-style: chr4-150871455-T-C. GRCh37 (hg19) VCF-style: chr4-151792607-T-C.
Other names: c.2259-2A>G (NM_001367550.1, NM_006726.5, NM_001199282.3 and 2 more transcripts).
Identifiers: ClinVar variation 1683553 (VCV001683553.7), dbSNP rs2127004616, ClinGen allele CA358467245.

ClinVar aggregate classification (germline): Likely pathogenic. Review status: criteria provided, multiple submitters, no conflicts (2 of 4 stars). 2 submissions from 2 submitters: Likely pathogenic (2). Last evaluated 2022-02-25.

Conditions:
Combined immunodeficiency due to LRBA deficiency. Also called: Common variable immunodeficiency 8, with autoimmunity. Identifiers: Orphanet 445018, MedGen C3553512, MONDO:0013863, OMIM 614700.

Submissions (2):

Labcorp Genetics (formerly Invitae), Labcorp
Classification: Likely pathogenic for Combined immunodeficiency due to LRBA deficiency. Last evaluated: 2022-02-25. Review status: criteria provided, single submitter. Criteria: Invitae Variant Classification Sherloc (09022015). Collection method: clinical testing. Allele origin: germline.
Comment: This variant has not been reported in the literature in individuals affected with LRBA-related conditions. In summary, the currently available evidence indicates that the variant is pathogenic, but additional data are needed to prove that conclusively. Therefore, this variant has been classified as Likely Pathogenic. Algorithms developed to predict the effect of sequence changes on RNA splicing suggest that this variant may disrupt the consensus splice site. This variant is not present in population databases (gnomAD no frequency). This sequence change affects an acceptor splice site in intron 18 of the LRBA gene. It is expected to disrupt RNA splicing. Variants that disrupt the donor or acceptor splice site typically lead to a loss of protein function (PMID: 16199547), and loss-of-function variants in LRBA are known to be pathogenic (PMID: 26206937, 26768763).

Laboratorio de Genetica e Diagnostico Molecular, Hospital Israelita Albert Einstein
Classification: Likely pathogenic for Combined immunodeficiency due to LRBA deficiency. Last evaluated: 2021-07-29. Review status: criteria provided, single submitter. Criteria: ACMG Guidelines, 2015. Collection method: clinical testing. Allele origin: germline. Affected: yes.
Comment: ACMG classification criteria: PVS1 very strong, PM2 moderate

Literature cited by the submitters: PubMed 16199547 (cited by Labcorp Genetics (formerly Invitae), Labcorp); PubMed 26206937 (cited by Labcorp Genetics (formerly Invitae), Labcorp); PubMed 26768763 (cited by Labcorp Genetics (formerly Invitae), Labcorp).